The following is an entry in ClinVar:

ClinVar aggregate classification (germline): Uncertain significance (1 of 4 stars; one submission).

gnomAD v4.1: 2 of 1,601,926 alleles (0.00012%); highest among the groups gnomAD compares: Non-Finnish European, 0.00017%; no homozygotes.

Submission:

Labcorp Genetics (formerly Invitae), Labcorp
Classification: Uncertain significance. Last evaluated: 2022-11-08. Review status: criteria provided, single submitter. Criteria: Invitae Variant Classification Sherloc (09022015). Collection method: clinical testing. Allele origin: germline.
Comment: In summary, the available evidence is currently insufficient to determine the role of this variant in disease. Therefore, it has been classified as a Variant of Uncertain Significance. Algorithms developed to predict the effect of missense changes on protein structure and function output the following: SIFT: "Tolerated"; PolyPhen-2: "Not Available"; Align-GVGD: "Class C0". The serine amino acid residue is found in multiple mammalian species, which suggests that this missense change does not adversely affect protein function. This variant has not been reported in the literature in individuals affected with PCLO-related conditions. This variant is not present in population databases (gnomAD no frequency). This sequence change replaces alanine, which is neutral and non-polar, with serine, which is neutral and polar, at codon 885 of the PCLO protein (p.Ala885Ser).

NM_033026.6(PCLO):c.2653G>T (p.Ala885Ser)

Gene: PCLO (piccolo presynaptic cytomatrix protein; minus strand). Cytogenetic location: 7q21.11.
Variant type: single nucleotide variant.
Coding change: c.2653G>T on transcript NM_033026.6 (MANE Select); coding-DNA position 2653, G replaced by T.
Protein change: p.Ala885Ser; replaces alanine 885 with serine.
Molecular consequence: missense variant.
Genome position (GRCh38, 1-based): chr7:83,134,897, C>A on the plus strand (G>T on the coding strand, the complement: PCLO is on the minus strand). VCF-style: chr7-83134897-C-A. GRCh37 (hg19) VCF-style: chr7-82764213-C-A.
Other names: c.2653G>T, p.Ala885Ser (NM_014510.3); short protein forms A885S.
Identifiers: ClinVar variation 2113166 (VCV002113166.4), dbSNP rs201657775, ClinGen allele CA367899333.